The following is an entry in ClinVar:

NM_000548.5(TSC2):c.4344C>T (p.Ser1448=)

Gene: TSC2 (TSC complex subunit 2; plus strand). Cytogenetic location: 16p13.3.
Variant type: single nucleotide variant.
Coding change: c.4344C>T on transcript NM_000548.5 (MANE Select); coding-DNA position 4344, C replaced by T.
Protein change: p.Ser1448=; no amino-acid change (serine 1448 retained).
Molecular consequence: synonymous variant. On other transcripts: non-coding transcript variant (5).
Genome position (GRCh38, 1-based): chr16:2,084,566, C>T. VCF-style: chr16-2084566-C-T. GRCh37 (hg19) VCF-style: chr16-2134567-C-T.
Other names: c.4143C>T, p.Ser1381= (NM_001077183.3); c.4275C>T, p.Ser1425= (NM_001114382.3); c.4035C>T, p.Ser1345= (NM_001318827.2); c.3999C>T, p.Ser1333= (NM_001318829.2); c.3612C>T, p.Ser1204= (NM_001318831.2); c.4176C>T, p.Ser1392= (NM_001318832.2); c.4146C>T, p.Ser1382= (NM_001363528.2); c.4212C>T, p.Ser1404= (NM_001370404.1); and 26 more.
Identifiers: ClinVar variation 3054966 (VCV003054966.6), dbSNP rs2090523818, ClinGen allele CA493043471.

ClinVar aggregate classification (germline): Likely benign. Review status: criteria provided, multiple submitters, no conflicts (2 of 4 stars). 4 submissions from 4 submitters: Likely benign (3). 1 of the submissions does not count toward it. Last evaluated 2025-02-16.

Conditions:
Tuberous sclerosis syndrome (TSC). Also called: Tuberous sclerosis; Tuberous Sclerosis Complex. Identifiers: Orphanet 805, MedGen C0041341, MONDO:0001734.
Tuberous sclerosis 2 (TSC2). Identifiers: Orphanet 805, MedGen C1860707, MONDO:0013199, OMIM 613254.
TSC2-related disorder. Also called: TSC2-related condition; TSC2-Related Disorders.
Hereditary cancer-predisposing syndrome. Also called: Neoplastic Syndromes, Hereditary; Tumor predisposition; Hereditary neoplastic syndrome; Hereditary Cancer Syndrome. Identifiers: Orphanet 140162, MedGen C0027672, MeSH D009386, MONDO:0015356.

Allele frequency attached by ClinVar (database versions not stated): TOPMed below 0.00001.
gnomAD v4.1: 3 of 1,607,934 alleles (0.00019%); highest among the groups gnomAD compares: Non-Finnish European, 0.00025%; no homozygotes.

Submissions (4):

Ambry Genetics
Classification: Likely benign for Hereditary cancer-predisposing syndrome. Last evaluated: 2025-02-16. Review status: criteria provided, single submitter. Criteria: Ambry Variant Classification Scheme 2023. Collection method: clinical testing. Allele origin: germline.

Labcorp Genetics (formerly Invitae), Labcorp
Classification: Likely benign for Tuberous sclerosis 2. Last evaluated: 2024-12-10. Review status: criteria provided, single submitter. Criteria: Invitae Variant Classification Sherloc (09022015). Collection method: clinical testing. Allele origin: germline.

All of Us Research Program, National Institutes of Health
Classification: Likely benign for Tuberous sclerosis syndrome. Last evaluated: 2023-08-15. Review status: criteria provided, single submitter. Criteria: ACMG Guidelines, 2015. Collection method: clinical testing. Allele origin: germline. Inheritance: Autosomal dominant inheritance. Observed: 1 variant allele, 1 heterozygote.
Comment: This study involves interpretation of variants in research participants for the purpose of population health screening. Participant phenotype was not available at the time of variant classification. Additional details can be found in publication PMID: 35346344, PMCID: PMC8962531

PreventionGenetics, part of Exact Sciences
Classification: Likely benign for TSC2-related condition. Last evaluated: 2020-07-07. Review status: no assertion criteria provided. Collection method: clinical testing. Allele origin: germline. Not counted in ClinVar's aggregate classification.
Comment: This variant is classified as likely benign based on ACMG/AMP sequence variant interpretation guidelines (Richards et al. 2015 PMID: 25741868, with internal and published modifications).